The following is an entry in ClinVar:

ClinVar aggregate classification (germline): Benign/Likely benign. Review status: criteria provided, multiple submitters, no conflicts (2 of 4 stars). 4 submissions from 4 submitters: Benign (2); Likely benign (1). 1 of the submissions does not count toward it. Last evaluated 2026-01-23.

Conditions:
Inborn genetic diseases. Identifiers: MedGen C0950123, MeSH D030342.
UNC45A-related disorder. Also called: UNC45A-related condition.

Allele frequency attached by ClinVar (database versions not stated): gnomAD 0.00282 and 0.00275; TOPMed 0.00315; 1000 Genomes Project 0.00459; gnomAD exomes 0.00040 and 0.00099; ExAC 0.00100; ESP Exome Variant Server 0.00269; 1000 Genomes Project 30x 0.00500.
gnomAD v4.1: 1,092 of 1,614,192 alleles (0.068%); highest among the groups gnomAD compares: African/African-American, 0.8%; 9 homozygotes.

Submissions (4):

Labcorp Genetics (formerly Invitae), Labcorp
Classification: Benign. Last evaluated: 2026-01-23. Review status: criteria provided, single submitter. Criteria: Invitae Variant Classification Sherloc (09022015). Collection method: clinical testing. Allele origin: germline.

Ambry Genetics
Classification: Likely benign for Inborn genetic diseases. Last evaluated: 2025-08-01. Review status: criteria provided, single submitter. Criteria: Ambry Variant Classification Scheme 2023. Collection method: clinical testing. Allele origin: germline.

Breakthrough Genomics
Classification: Benign. Review status: criteria provided, single submitter. Criteria: ACMG Guidelines, 2015. Collection method: not provided. Allele origin: germline. Inheritance: Autosomal recessive inheritance. Affected: yes.

PreventionGenetics, part of Exact Sciences
Classification: Benign for UNC45A-related condition. Last evaluated: 2020-03-23. Review status: no assertion criteria provided. Collection method: clinical testing. Allele origin: germline. Not counted in ClinVar's aggregate classification.
Comment: This variant is classified as benign based on ACMG/AMP sequence variant interpretation guidelines (Richards et al. 2015 PMID: 25741868, with internal and published modifications).

NM_018671.5(UNC45A):c.965C>T (p.Ala322Val)

Gene: UNC45A (unc-45 myosin chaperone A; plus strand). Cytogenetic location: 15q26.1.
Variant type: single nucleotide variant.
Coding change: c.965C>T on transcript NM_018671.5 (MANE Select); coding-DNA position 965, C replaced by T.
Protein change: p.Ala322Val; replaces alanine 322 with valine.
Molecular consequence: missense variant.
Genome position (GRCh38, 1-based): chr15:90,943,020, C>T. VCF-style: chr15-90943020-C-T. GRCh37 (hg19) VCF-style: chr15-91486250-C-T.
Other names: c.920C>T, p.Ala307Val (NM_001039675.2, NM_001323621.2); c.965C>T, p.Ala322Val (NM_001323619.1); c.530C>T, p.Ala177Val (NM_001323620.2); c.965C>T (NM_018671.3); short protein forms A177V, A307V, A322V.
Identifiers: ClinVar variation 1170133 (VCV001170133.13), dbSNP rs79604948, ClinGen allele CA7742733.